The following is an entry in ClinVar:

NM_003742.4(ABCB11):c.3875G>A (p.Gly1292Glu)

Gene: ABCB11 (ATP binding cassette subfamily B member 11; minus strand). Cytogenetic location: 2q31.1.
Variant type: single nucleotide variant.
Coding change: c.3875G>A on transcript NM_003742.4 (MANE Select); coding-DNA position 3875, G replaced by A.
Protein change: p.Gly1292Glu; replaces glycine 1292 with glutamic acid.
Molecular consequence: missense variant.
Genome position (GRCh38, 1-based): chr2:168,923,713, C>T on the plus strand (G>A on the coding strand, the complement: ABCB11 is on the minus strand). VCF-style: chr2-168923713-C-T. GRCh37 (hg19) VCF-style: chr2-169780223-C-T.
Other names: p.Gly1292Glu; short protein forms G1292E.
Identifiers: ClinVar variation 1342713 (VCV001342713.3), dbSNP rs1553543921, ClinGen allele CA349117072.

ClinVar aggregate classification (germline): Likely pathogenic (1 of 4 stars; one submission).

Conditions:
Benign recurrent intrahepatic cholestasis type 2 (BRIC2). Also called: Recurrent familial intrahepatic cholestasis 2. Identifiers: Orphanet 65682, Orphanet 99961, MedGen C2608083, MONDO:0011559, OMIM 605479.

Submission:

Foundation for Research in Genetics and Endocrinology, FRIGE's Institute of Human Genetics
Classification: Likely pathogenic for Benign recurrent intrahepatic cholestasis type 2. Last evaluated: 2021-09-18. Review status: criteria provided, single submitter. Criteria: ACMG Guidelines, 2015. Collection method: clinical testing. Allele origin: germline. Inheritance: Autosomal recessive inheritance. Affected: yes. Observed: 1 heterozygote.
Comment: A heterozygous missense variation in exon 28 of the ABCB11 gene that results in the amino acid substitution of Glutamic acid for Glycine at codon 1292 was detected. The observed variant c.3875G>A (p.Gly1292Glu) has not been reported in the 1000 genomes and gnomAD database. The variant has been previously reported in patients with cholestasis (Neng Li et al. 2016). The in silico prediction of the variant is possibly damaging by PolyPhen-2 (HumDiv) and damaging by SIFT, LRT and MutationTaster2. The reference codon is conserved across species. In summary, the variant meets our criteria to be classified as a likely pathogenic variant.